The following is an entry in ClinVar:

ClinVar aggregate classification (germline): Uncertain significance (1 of 4 stars; one submission).

Conditions:
Hajdu-Cheney syndrome (HJCYS). Also called: Acroosteolysis dominant type; ACROOSTEOLYSIS WITH OSTEOPOROSIS AND CHANGES IN SKULL AND MANDIBLE; SERPENTINE FIBULA-POLYCYSTIC KIDNEY SYNDROME. Identifiers: Orphanet 955, MedGen C0917715, MONDO:0007057, OMIM 102500.

gnomAD v4.1: 3 of 1,599,184 alleles (0.00019%); highest among the groups gnomAD compares: Admixed American, 0.0017%; no homozygotes.

Submission:

Labcorp Genetics (formerly Invitae), Labcorp
Classification: Uncertain significance for Hajdu-Cheney syndrome. Last evaluated: 2024-07-03. Review status: criteria provided, single submitter. Criteria: Invitae Variant Classification Sherloc (09022015). Collection method: clinical testing. Allele origin: germline.
Comment: This sequence change falls in intron 15 of the NOTCH2 gene. It does not directly change the encoded amino acid sequence of the NOTCH2 protein. It affects a nucleotide within the consensus splice site. This variant is present in population databases (rs782417826, gnomAD 0.003%). This variant has not been reported in the literature in individuals affected with NOTCH2-related conditions. Variants that disrupt the consensus splice site are a relatively common cause of aberrant splicing (PMID: 17576681, 9536098). Algorithms developed to predict the effect of sequence changes on RNA splicing suggest that this variant may create or strengthen a splice site. In summary, the available evidence is currently insufficient to determine the role of this variant in disease. Therefore, it has been classified as a Variant of Uncertain Significance.

Literature cited by the submitters: PubMed 17576681; PubMed 9536098.

NM_024408.4(NOTCH2):c.2479+3G>C

Gene: NOTCH2 (notch receptor 2; minus strand). Cytogenetic location: 1p12.
Variant type: single nucleotide variant.
Coding change: c.2479+3G>C on transcript NM_024408.4 (MANE Select); 3 bases into the intron after coding-DNA position 2479, G replaced by C.
Molecular consequence: intron variant.
Genome position (GRCh38, 1-based): chr1:119,950,721, C>G on the plus strand (G>C on the coding strand, the complement: NOTCH2 is on the minus strand). VCF-style: chr1-119950721-C-G. GRCh37 (hg19) VCF-style: chr1-120493344-C-G.
Other names: c.2479+3G>C (NM_001200001.2).
Identifiers: ClinVar variation 3709057 (VCV003709057.2).
Genomic context (GRCh38, chr1:119,950,721, plus strand): 5'-CAGGCACTGACAAAGCAAGGTCAAGTATCCCCTCTGGTCCCTGCTGGTACCTCCAGGACC[C>G]ACCTGTGTATGGCAGCACACAGTGGCAAGTGTAGCCACTTATGTCATCAAAGCAGGTTCC-3'